The following is an entry in ClinVar:

NM_000142.5(FGFR3):c.1239G>C (p.Lys413Asn)

Gene: FGFR3 (fibroblast growth factor receptor 3; plus strand). Cytogenetic location: 4p16.3.
Variant type: single nucleotide variant.
Coding change: c.1239G>C on transcript NM_000142.5 (MANE Select); coding-DNA position 1239, G replaced by C.
Protein change: p.Lys413Asn; replaces lysine 413 with asparagine.
Molecular consequence: missense variant. On other transcripts: non-coding transcript variant (1), intron variant (1).
Genome position (GRCh38, 1-based): chr4:1,804,493, G>C. VCF-style: chr4-1804493-G-C. GRCh37 (hg19) VCF-style: chr4-1806220-G-C.
Other names: c.1245G>C, p.Lys415Asn (NM_001163213.2); c.1239G>C, p.Lys413Asn (NM_001354809.2, NM_001354810.2); c.931-331G>C (NM_022965.4); short protein forms K413N, K415N.
Identifiers: ClinVar variation 2139999 (VCV002139999.7), dbSNP rs140898926, ClinGen allele CA2810318.

ClinVar aggregate classification (germline): Uncertain significance. Review status: criteria provided, multiple submitters, no conflicts (2 of 4 stars). 3 submissions from 3 submitters: Uncertain significance (3). Last evaluated 2024-11-27.

Allele frequency attached by ClinVar (database versions not stated): ExAC 0.00002; gnomAD 0.00003; TOPMed 0.00003.

Submissions (3):

Women's Health and Genetics/Laboratory Corporation of America, LabCorp
Classification: Uncertain significance. Last evaluated: 2024-11-27. Review status: criteria provided, single submitter. Criteria: LabCorp Variant Classification Summary - May 2015. Collection method: clinical testing. Allele origin: germline.
Comment: Variant summary: FGFR3 c.1239G>C (p.Lys413Asn) results in a non-conservative amino acid change in the encoded protein sequence. Four of five in-silico tools predict a damaging effect of the variant on protein function. The variant allele was found at a frequency of 1.2e-05 in 249658 control chromosomes. The available data on variant occurrences in the general population are insufficient to allow any conclusion about variant significance. To our knowledge, no occurrence of c.1239G>C in individuals affected with Achondroplasia and no experimental evidence demonstrating its impact on protein function have been reported. ClinVar contains an entry for this variant (Variation ID: 2139999). Based on the evidence outlined above, the variant was classified as uncertain significance.

GeneDx
Classification: Uncertain significance. Last evaluated: 2024-08-21. Review status: criteria provided, single submitter. Criteria: GeneDx Variant Classification Process June 2021. Collection method: clinical testing. Allele origin: germline. Affected: yes.
Comment: In silico analysis supports that this missense variant has a deleterious effect on protein structure/function; Has not been previously published as pathogenic or benign in association with an FGFR3-related disorder; This variant is associated with the following publications: (PMID: 35723313)

Labcorp Genetics (formerly Invitae), Labcorp
Classification: Uncertain significance. Last evaluated: 2024-01-24. Review status: criteria provided, single submitter. Criteria: Invitae Variant Classification Sherloc (09022015). Collection method: clinical testing. Allele origin: germline.
Comment: This sequence change replaces lysine, which is basic and polar, with asparagine, which is neutral and polar, at codon 413 of the FGFR3 protein (p.Lys413Asn). This variant is present in population databases (rs140898926, gnomAD 0.003%). This variant has not been reported in the literature in individuals affected with FGFR3-related conditions. ClinVar contains an entry for this variant (Variation ID: 2139999). Advanced modeling of protein sequence and biophysical properties (such as structural, functional, and spatial information, amino acid conservation, physicochemical variation, residue mobility, and thermodynamic stability) has been performed at Invitae for this missense variant, however the output from this modeling did not meet the statistical confidence thresholds required to predict the impact of this variant on FGFR3 protein function. In summary, the available evidence is currently insufficient to determine the role of this variant in disease. Therefore, it has been classified as a Variant of Uncertain Significance.